The following is an entry in ClinVar:

ClinVar aggregate classification (germline): Pathogenic/Likely pathogenic. Review status: criteria provided, multiple submitters, no conflicts (2 of 4 stars). 5 submissions from 5 submitters: Pathogenic (1); Likely pathogenic (4). Last evaluated 2025-03-30.

Conditions:
Nephronophthisis. Also called: Juvenile Nephronophthisis. Identifiers: MedGen C0687120, MONDO:0019005, HP:0000090, Orphanet 655.
Joubert syndrome. Also called: JOUBERT-BOLTSHAUSER SYNDROME; Familial aplasia of the vermis. Identifiers: Orphanet 475, MedGen C5979921, MONDO:0018772.
Meckel-Gruber syndrome. Also called: DYSENCEPHALIA SPLANCHNOCYSTICA; GRUBER SYNDROME; Dysencephalia splachnocystica. Identifiers: Orphanet 564, MedGen C0265215, MONDO:0018921.
Leber congenital amaurosis 10 (LCA10). Identifiers: Orphanet 65, MedGen C1857821, MONDO:0012723, OMIM 611755.
Meckel syndrome, type 4 (MKS4). Also called: MECKEL-GRUBER SYNDROME, TYPE 4. Identifiers: Orphanet 564, MedGen C1970161, MONDO:0012626, OMIM 611134.
Senior-Loken syndrome 6 (SLSN6). Identifiers: Orphanet 3156, MedGen C1857779, MONDO:0012433, OMIM 610189.
Joubert syndrome 5 (JBTS5). Identifiers: Orphanet 2318, MedGen C1857780, MONDO:0012432, OMIM 610188.
Bardet-Biedl syndrome 14 (BBS14). Identifiers: Orphanet 110, MedGen C2673874, MONDO:0014442, OMIM 615991.
CEP290-related disorder. Also called: CEP290-related condition; CEP290-related disorders. Identifiers: MedGen CN239314.
Leber congenital amaurosis (LCA). Also called: Leber's amaurosis. Identifiers: Orphanet 65, MedGen C0339527, MeSH D057130, MONDO:0018998.

Submissions (5):

Natera, Inc.
Classification: Likely pathogenic for Leber congenital amaurosis. Last evaluated: 2025-03-30. Review status: criteria provided, single submitter. Criteria: Natera Variant Classification Schema (03/2026). Collection method: clinical testing. Allele origin: germline.
Comment: The c.1254_1255del variant in CEP290 is a frameshift variant predicted to shift the reading frame beginning at codon 419 and leads to a stop codon 2 codons downstream. This variant is expected to result in nonsense mediated decay, truncation, or a dysfunctional protein product. This variant is rare in the general population with a frequency below the threshold expected for the associated phenotype(s). Given the available evidence, this variant is classified as Likely Pathogenic.

Labcorp Genetics (formerly Invitae), Labcorp
Classification: Pathogenic for Joubert syndrome; Meckel-Gruber syndrome; Nephronophthisis. Last evaluated: 2024-04-17. Review status: criteria provided, single submitter. Criteria: Invitae Variant Classification Sherloc (09022015). Collection method: clinical testing. Allele origin: germline.
Comment: This sequence change creates a premature translational stop signal (p.Lys419Asnfs*2) in the CEP290 gene. It is expected to result in an absent or disrupted protein product. Loss-of-function variants in CEP290 are known to be pathogenic (PMID: 16909394, 17345604, 20690115). This variant is present in population databases (no rsID available, gnomAD 0.002%). This variant has not been reported in the literature in individuals affected with CEP290-related conditions. For these reasons, this variant has been classified as Pathogenic.

Baylor Genetics
Classification: Likely pathogenic for Bardet-Biedl syndrome 14. Last evaluated: 2024-02-27. Review status: criteria provided, single submitter. Criteria: ACMG Guidelines, 2015. Collection method: clinical testing. Allele origin: unknown.

Fulgent Genetics
Classification: Likely pathogenic for Joubert syndrome 5; Senior-Loken syndrome 6; Meckel syndrome, type 4; Leber congenital amaurosis 10; Bardet-Biedl syndrome 14. Last evaluated: 2022-04-05. Review status: criteria provided, single submitter. Criteria: ACMG Guidelines, 2015. Collection method: clinical testing. Allele origin: unknown.

Blueprint Genetics
Classification: Likely pathogenic for CEP290-related disorders. Last evaluated: 2018-10-25. Review status: criteria provided, single submitter. Criteria: ACMG Guidelines, 2015. Collection method: clinical testing. Allele origin: germline. Affected: yes. Observed: 1 variant allele.

Literature cited by the submitters: PubMed 16909394 (cited by Labcorp Genetics (formerly Invitae), Labcorp); PubMed 17345604 (cited by Labcorp Genetics (formerly Invitae), Labcorp); PubMed 20690115 (cited by Labcorp Genetics (formerly Invitae), Labcorp).

NM_025114.4(CEP290):c.1254_1255del (p.Lys419fs)

Gene: CEP290 (centrosomal protein 290; minus strand). Cytogenetic location: 12q21.32.
Variant type: Microsatellite.
Coding change: c.1254_1255del on transcript NM_025114.4 (MANE Select); coding-DNA positions 1254 to 1255, 2 bases deleted (GA; older notation c.1254_1255delGA).
Protein change: p.Lys419fs; shifts the reading frame from lysine 419.
Molecular consequence: frameshift variant.
Genome position (GRCh38, 1-based): chr12:88,121,101-88,121,102, TC deleted on the plus strand (GA on the coding strand, the reverse complement: CEP290 is on the minus strand); deleting any 2 consecutive bases within chr12:88,121,101-88,121,105 gives the same sequence; the c. name uses the placement nearest the transcript's 3' end. VCF-style (leftmost placement, unchanged base first): chr12-88121100-TTC-T. GRCh37 (hg19) VCF-style: chr12-88514877-TTC-T.
Other names: c.1254_1255del (NM_025114.3); short protein forms K419fs.
Identifiers: ClinVar variation 1071911 (VCV001071911.12), dbSNP rs897997464, ClinGen allele CA241152506.